The following is an entry in ClinVar:

ClinVar aggregate classification (germline): Uncertain significance (1 of 4 stars; one submission).

gnomAD v4.1: 2 of 1,469,498 alleles (0.00014%); highest among the groups gnomAD compares: Non-Finnish European, 0.00019%; no homozygotes.

Submission:

Labcorp Genetics (formerly Invitae), Labcorp
Classification: Uncertain significance. Last evaluated: 2024-07-05. Review status: criteria provided, single submitter. Criteria: Invitae Variant Classification Sherloc (09022015). Collection method: clinical testing. Allele origin: germline.
Comment: This sequence change replaces phenylalanine, which is neutral and non-polar, with leucine, which is neutral and non-polar, at codon 356 of the SPPL2A protein (p.Phe356Leu). This variant is present in population databases (rs768598919, gnomAD 0.0009%). This variant has not been reported in the literature in individuals affected with SPPL2A-related conditions. An algorithm developed to predict the effect of missense changes on protein structure and function (PolyPhen-2) suggests that this variant is likely to be disruptive. In summary, the available evidence is currently insufficient to determine the role of this variant in disease. Therefore, it has been classified as a Variant of Uncertain Significance.

NM_032802.4(SPPL2A):c.1068C>G (p.Phe356Leu)

Gene: SPPL2A (signal peptide peptidase like 2A; minus strand). Cytogenetic location: 15q21.2.
Variant type: single nucleotide variant.
Coding change: c.1068C>G on transcript NM_032802.4 (MANE Select); coding-DNA position 1068, C replaced by G.
Protein change: p.Phe356Leu; replaces phenylalanine 356 with leucine.
Molecular consequence: missense variant.
Genome position (GRCh38, 1-based): chr15:50,730,986, G>C on the plus strand (C>G on the coding strand, the complement: SPPL2A is on the minus strand). VCF-style: chr15-50730986-G-C. GRCh37 (hg19) VCF-style: chr15-51023183-G-C.
Other names: short protein forms F356L.
Identifiers: ClinVar variation 3699996 (VCV003699996.2).
Genomic context (GRCh38, chr15:50,730,986, plus strand): 5'-TAGCATGTTTCTTCACCCATTTCAAAAATATGGTCATACCTTTGTGATGAATGGTGTTAT[G>C]AAAACAAAAAATACATCATAGAGGAGGAGAAGGCCTAGAAGTATCACACATGACTGTCAA-3'
Protein context (NP_116191.2, residues 346-366): LLLLYDVFFV[Phe356Leu]ITPFITKNGE